The following is an entry in ClinVar:

ClinVar aggregate classification (germline): Uncertain significance (1 of 4 stars; one submission).

Conditions:
Dilated cardiomyopathy 1O (CMD1O). Also called: CARDIOMYOPATHY, DILATED, WITH VENTRICULAR TACHYCARDIA. Identifiers: Orphanet 154, MedGen C1837839, MONDO:0012062, OMIM 608569.

Allele frequency attached by ClinVar (database versions not stated): gnomAD exomes below 0.00001; TOPMed 0.00001.
gnomAD v4.1: 1 of 1,613,210 alleles (0.000062%); highest among the groups gnomAD compares: Non-Finnish European, 0.000085%; no homozygotes.

Submission:

Labcorp Genetics (formerly Invitae), Labcorp
Classification: Uncertain significance for Dilated cardiomyopathy 1O. Last evaluated: 2021-10-12. Review status: criteria provided, single submitter. Criteria: Invitae Variant Classification Sherloc (09022015). Collection method: clinical testing. Allele origin: germline.
Comment: This sequence change falls in intron 30 of the ABCC9 gene. It does not directly change the encoded amino acid sequence of the ABCC9 protein. This variant is not present in population databases (ExAC no frequency). This variant has not been reported in the literature in individuals affected with ABCC9-related conditions. Algorithms developed to predict the effect of sequence changes on RNA splicing suggest that this variant may disrupt the consensus splice site. In summary, the available evidence is currently insufficient to determine the role of this variant in disease. Therefore, it has been classified as a Variant of Uncertain Significance.

NM_020297.4(ABCC9):c.3772-8T>G

Genes: ABCC9 (ATP binding cassette subfamily C member 9; minus strand), KCNJ8-AS1 (KCNJ8 antisense RNA 1; plus strand). Cytogenetic location: 12p12.1.
Variant type: single nucleotide variant.
Coding change: c.3772-8T>G on transcript NM_020297.4 (MANE Select); 8 bases into the intron before coding-DNA position 3772, T replaced by G.
Molecular consequence: intron variant.
Genome position (GRCh38, 1-based): chr12:21,817,315, A>C on the plus strand (T>G on the coding strand, the complement: ABCC9 is on the minus strand). VCF-style: chr12-21817315-A-C. GRCh37 (hg19) VCF-style: chr12-21970249-A-C.
Other names: c.2905-8T>G (NM_001377274.1); c.3772-8T>G (NM_005691.4, NM_001377273.1).
Identifiers: ClinVar variation 1394758 (VCV001394758.6), dbSNP rs1942709972, ClinGen allele CA2021282366.
Genomic context (GRCh38, chr12:21,817,315, plus strand): 5'-TGGACCTCCAGGTCAGCCAAGTTCCTCACAACCCAATTCAAATAATTGGTTATCTGTGTC[A>C]GGTGATTAAAAAAATTGTTTTAAATAAATTAAAGTAAGAAGTTGTGGTTAATCACCGGAA-3'